The following is an entry in ClinVar:

NM_001376.5(DYNC1H1):c.7463G>A (p.Arg2488His)

Gene: DYNC1H1 (dynein cytoplasmic 1 heavy chain 1; plus strand). Cytogenetic location: 14q32.31.
Variant type: single nucleotide variant.
Coding change: c.7463G>A on transcript NM_001376.5 (MANE Select); coding-DNA position 7463, G replaced by A.
Protein change: p.Arg2488His; replaces arginine 2488 with histidine.
Molecular consequence: missense variant.
Genome position (GRCh38, 1-based): chr14:102,016,076, G>A. VCF-style: chr14-102016076-G-A. GRCh37 (hg19) VCF-style: chr14-102482413-G-A.
Other names: short protein forms R2488H.
Identifiers: ClinVar variation 239003 (VCV000239003.28), dbSNP rs149581331, ClinGen allele CA7352820.

ClinVar aggregate classification (germline): Benign/Likely benign. Review status: criteria provided, multiple submitters, no conflicts (2 of 4 stars). 8 submissions from 7 submitters: Benign (6); Likely benign (2). Last evaluated 2026-02-03.

Conditions:
Autosomal dominant cerebellar ataxia. Also called: Spinocerebellar Ataxia, Dominant. Identifiers: Orphanet 99, MedGen C4087347, MONDO:0020380.
Charcot-Marie-Tooth disease axonal type 2O. Also called: Charcot-Marie-Tooth disease, axonal, type 20; CHARCOT-MARIE-TOOTH NEUROPATHY, AXONAL, TYPE 2O; CHARCOT-MARIE-TOOTH DISEASE, AXONAL, AUTOSOMAL DOMINANT, TYPE 2O; Charcot-Marie-Tooth Neuropathy Type 2O. Identifiers: Orphanet 284232, MedGen C3280220, MONDO:0013644, OMIM 614228.
Inborn genetic diseases. Identifiers: MedGen C0950123, MeSH D030342.
Cortical dysplasia, complex, with other brain malformations 13. Also called: Intellectual disability, autosomal dominant 13. Identifiers: MedGen C3281202, MONDO:0013805, OMIM 614563.
Autosomal dominant childhood-onset proximal spinal muscular atrophy without contractures. Also called: KUGELBERG-WELANDER SYNDROME, AUTOSOMAL DOMINANT; SPINAL MUSCULAR ATROPHY, JUVENILE, PROXIMAL, AUTOSOMAL DOMINANT; SPINAL MUSCULAR ATROPHY, CHILDHOOD, PROXIMAL, AUTOSOMAL DOMINANT; Spinal muscular atrophy, lower extremity-predominant 1, AD. Identifiers: Orphanet 209341, Orphanet 363447, MedGen C5780022, MONDO:0008026, OMIM 158600.

Allele frequency attached by ClinVar (database versions not stated): 1000 Genomes Project 30x 0.00109; 1000 Genomes Project 0.00140; gnomAD exomes 0.00016 and 0.00059; gnomAD 0.00019 and 0.00023; TOPMed 0.00030; ExAC 0.00070.
gnomAD v4.1: 322 of 1,608,256 alleles (0.02%); highest among the groups gnomAD compares: East Asian, 0.51%; no homozygotes.

Submissions (8):

Labcorp Genetics (formerly Invitae), Labcorp
Classification: Benign for Charcot-Marie-Tooth disease axonal type 2O. Last evaluated: 2026-02-03. Review status: criteria provided, single submitter. Criteria: Invitae Variant Classification Sherloc (09022015). Collection method: clinical testing. Allele origin: germline.

CeGaT Center for Human Genetics Tuebingen
Classification: Likely benign. Last evaluated: 2025-08-01. Review status: criteria provided, single submitter. Criteria: CeGaT Center For Human Genetics Tuebingen Variant Classification Criteria Version 2. Collection method: clinical testing. Allele origin: germline. Affected: yes. Observed: 1 variant allele.
Comment: DYNC1H1: BP4, BS1

Blueprint Genetics
Classification: Benign. Last evaluated: 2024-10-28. Review status: criteria provided, single submitter. Criteria: ACMG Guidelines, 2015. Collection method: clinical testing. Allele origin: germline.

Fulgent Genetics
Classification: Likely benign for Autosomal dominant childhood-onset proximal spinal muscular atrophy without contractures; Charcot-Marie-Tooth disease axonal type 2O; Cortical dysplasia, complex, with other brain malformations 13. Last evaluated: 2021-09-29. Review status: criteria provided, single submitter. Criteria: ACMG Guidelines, 2015. Collection method: clinical testing. Allele origin: unknown.

GeneDx
Classification: Benign. Last evaluated: 2018-07-27. Review status: criteria provided, single submitter. Criteria: GeneDx Variant Classification Process June 2021. Collection method: clinical testing. Allele origin: germline. Affected: yes.

Illumina Laboratory Services, Illumina
Classification: Benign for Charcot-Marie-Tooth disease axonal type 2O. Last evaluated: 2018-01-13. Review status: criteria provided, single submitter. Criteria: ICSL Variant Classification Criteria 13 December 2019. Collection method: clinical testing. Allele origin: germline.
Comment: This variant was observed in the ICSL laboratory as part of a predisposition screen in an ostensibly healthy population. It had not been previously curated by ICSL or reported in the Human Gene Mutation Database (HGMD: prior to June 1st, 2018), and was therefore a candidate for classification through an automated scoring system. Utilizing variant allele frequency, disease prevalence and penetrance estimates, and inheritance mode, an automated score was calculated to assess if this variant is too frequent to cause the disease. Based on the score and internal cut-off values, a variant classified as benign is not then subjected to further curation. The score for this variant resulted in a classification of benign for this disease.

Illumina Laboratory Services, Illumina
Classification: Benign for Spinocerebellar Ataxia, Dominant. Last evaluated: 2018-01-13. Review status: criteria provided, single submitter. Criteria: ICSL Variant Classification Criteria 13 December 2019. Collection method: clinical testing. Allele origin: germline.
Comment: the same text as in the submission from Illumina Laboratory Services, Illumina above.

Ambry Genetics
Classification: Benign for Inborn genetic diseases. Last evaluated: 2017-12-15. Review status: criteria provided, single submitter. Criteria: Ambry Variant Classification Scheme 2023. Collection method: clinical testing. Allele origin: germline.